The following is an entry in ClinVar:

ClinVar aggregate classification (germline): Conflicting classifications of pathogenicity. Review status: criteria provided, conflicting classifications (1 of 4 stars). 5 submissions from 5 submitters: Uncertain significance (4); Likely benign (1). Last evaluated 2025-12-21.

Conditions:
Cardiovascular phenotype. Identifiers: MedGen CN230736.
Arrhythmogenic right ventricular dysplasia 8 (ARVD8). Also called: ARRHYTHMOGENIC RIGHT VENTRICULAR DYSPLASIA, FAMILIAL, 8; ARRHYTHMOGENIC RIGHT VENTRICULAR CARDIOMYOPATHY 8; Arrhythmogenic Right Ventricular Dysplasia/Cardiomyopathy 8. Identifiers: MedGen C1843896, MONDO:0011831, OMIM 607450.
Arrhythmogenic cardiomyopathy with wooly hair and keratoderma. Also called: PALMOPLANTAR KERATODERMA WITH LEFT VENTRICULAR CARDIOMYOPATHY AND WOOLLY HAIR; Dilated cardiomyopathy with woolly hair and keratoderma; Arrhythmogenic cardiomyopathy with woolly hair and keratoderma; Carvajal syndrome. Identifiers: Orphanet 65282, MedGen C1854063, MONDO:0011581, OMIM 605676.
Cardiomyopathy (CMYO). Also called: Cardiomyopathies. Identifiers: Orphanet 167848, MedGen C0878544, MONDO:0004994, HP:0001638. Inheritance: Various modes of inheritance.

Allele frequency attached by ClinVar (database versions not stated): ExAC 0.00001; gnomAD 0.00001; gnomAD exomes 0.00001; TOPMed 0.00001; 1000 Genomes Project 30x 0.00016; 1000 Genomes Project 0.00020.
gnomAD v4.1: 18 of 1,614,092 alleles (0.0011%); highest among the groups gnomAD compares: Non-Finnish European, 0.0015%; no homozygotes.

Submissions (5):

Labcorp Genetics (formerly Invitae), Labcorp
Classification: Likely benign for Arrhythmogenic cardiomyopathy with wooly hair and keratoderma; Arrhythmogenic right ventricular dysplasia 8. Last evaluated: 2025-12-21. Review status: criteria provided, single submitter. Criteria: Invitae Variant Classification Sherloc (09022015). Collection method: clinical testing. Allele origin: germline.

Color Diagnostics, LLC DBA Color Health
Classification: Uncertain significance for Cardiomyopathy. Last evaluated: 2024-03-06. Review status: criteria provided, single submitter. Criteria: ACMG Guidelines, 2015. Collection method: clinical testing. Allele origin: germline.
Comment: This missense variant replaces lysine with glutamine at codon 1325 of the DSP protein. Computational prediction suggests that this variant may not impact protein structure and function (internally defined REVEL score threshold <= 0.5, PMID: 27666373). To our knowledge, functional studies have not been reported for this variant. This variant has not been reported in individuals affected with cardiovascular disorders in the literature. This variant has been identified in 3/250828 chromosomes in the general population by the Genome Aggregation Database (gnomAD). The available evidence is insufficient to determine the role of this variant in disease conclusively. Therefore, this variant is classified as a Variant of Uncertain Significance.

Blueprint Genetics
Classification: Uncertain significance. Last evaluated: 2020-05-13. Review status: criteria provided, single submitter. Criteria: ACMG Guidelines, 2015. Collection method: clinical testing. Allele origin: germline.

GeneDx
Classification: Uncertain significance. Last evaluated: 2019-12-17. Review status: criteria provided, single submitter. Criteria: GeneDx Variant Classification Process June 2021. Collection method: clinical testing. Allele origin: germline. Affected: yes.
Comment: Has not been previously published as pathogenic or benign to our knowledge; Reported in ClinVar as a variant of uncertain significance (ClinVar Variant ID# 180328; Landrum et al., 2016); Not observed at a significant frequency in large population cohorts (Lek et al., 2016); In silico analysis, which includes protein predictors and evolutionary conservation, supports that this variant does not alter protein structure/function

Ambry Genetics
Classification: Uncertain significance for Cardiovascular phenotype. Last evaluated: 2016-11-30. Review status: criteria provided, single submitter. Criteria: Ambry Variant Classification Scheme 2023. Collection method: clinical testing. Allele origin: germline.
Comment: The p.K1325Q variant (also known as c.3973A>C), located in coding exon 23 of the DSP gene, results from an A to C substitution at nucleotide position 3973. The lysine at codon 1325 is replaced by glutamine, an amino acid with similar properties. This amino acid position is well conserved in available vertebrate species. In addition, the in silico prediction for this alteration is inconclusive. Since supporting evidence is limited at this time, the clinical significance of this alteration remains unclear.

NM_004415.4(DSP):c.3973A>C (p.Lys1325Gln)

Gene: DSP (desmoplakin; plus strand). Cytogenetic location: 6p24.3.
Variant type: single nucleotide variant.
Coding change: c.3973A>C on transcript NM_004415.4 (MANE Select); coding-DNA position 3973, A replaced by C.
Protein change: p.Lys1325Gln; replaces lysine 1325 with glutamine.
Molecular consequence: missense variant. On other transcripts: intron variant (1).
Genome position (GRCh38, 1-based): chr6:7,580,163, A>C. VCF-style: chr6-7580163-A-C. GRCh37 (hg19) VCF-style: chr6-7580396-A-C.
Other names: c.3973A>C (LRG_423t1); c.3973A>C, p.Lys1325Gln (NM_001319034.2); c.3582+391A>C (NM_001008844.3); short protein forms K1325Q.
Identifiers: ClinVar variation 180328 (VCV000180328.16), dbSNP rs41302883, ClinGen allele CA004327.